The following is an entry in ClinVar:

ClinVar aggregate classification (germline): Uncertain significance. Review status: criteria provided, multiple submitters, no conflicts (2 of 4 stars). 4 submissions from 4 submitters: Uncertain significance (4). Last evaluated 2025-06-18.

Conditions:
Familial cancer of breast. Also called: Hereditary breast cancer; hereditary breast carcinoma; BREAST CANCER, FAMILIAL. Identifiers: Orphanet 227535, MedGen C0346153, MONDO:0016419, OMIM 114480. Disease mechanism: loss of function.
Hereditary cancer-predisposing syndrome. Also called: Hereditary neoplastic syndrome; Tumor predisposition; Hereditary Cancer Syndrome; Neoplastic Syndromes, Hereditary. Identifiers: Orphanet 140162, MedGen C0027672, MeSH D009386, MONDO:0015356.

Allele frequency attached by ClinVar (database versions not stated): gnomAD exomes below 0.00001; ExAC 0.00001.
gnomAD v4.1: 2 of 1,613,664 alleles (0.00012%); highest among the groups gnomAD compares: Non-Finnish European, 0.00017%; no homozygotes.

Submissions (4):

Women's Health and Genetics/Laboratory Corporation of America, LabCorp
Classification: Uncertain significance. Last evaluated: 2025-06-18. Review status: criteria provided, single submitter. Criteria: LabCorp Variant Classification Summary - May 2015. Collection method: clinical testing. Allele origin: germline.

Ambry Genetics
Classification: Uncertain significance for Hereditary cancer-predisposing syndrome. Last evaluated: 2024-03-12. Review status: criteria provided, single submitter. Criteria: Ambry Variant Classification Scheme 2023. Collection method: clinical testing. Allele origin: germline.
Comment: The p.D1052V variant (also known as c.3155A>T), located in coding exon 11 of the PALB2 gene, results from an A to T substitution at nucleotide position 3155. The aspartic acid at codon 1052 is replaced by valine, an amino acid with highly dissimilar properties. This amino acid position is poorly conserved in available vertebrate species. In addition, this alteration is predicted to be tolerated by in silico analysis. Since supporting evidence is limited at this time, the clinical significance of this alteration remains unclear.

Labcorp Genetics (formerly Invitae), Labcorp
Classification: Uncertain significance for Familial cancer of breast. Last evaluated: 2023-11-24. Review status: criteria provided, single submitter. Criteria: Invitae Variant Classification Sherloc (09022015). Collection method: clinical testing. Allele origin: germline.
Comment: This sequence change replaces aspartic acid, which is acidic and polar, with valine, which is neutral and non-polar, at codon 1052 of the PALB2 protein (p.Asp1052Val). This variant is present in population databases (rs775290401, gnomAD 0.0009%). This variant has not been reported in the literature in individuals affected with PALB2-related conditions. ClinVar contains an entry for this variant (Variation ID: 492211). Advanced modeling of protein sequence and biophysical properties (such as structural, functional, and spatial information, amino acid conservation, physicochemical variation, residue mobility, and thermodynamic stability) performed at Invitae indicates that this missense variant is not expected to disrupt PALB2 protein function with a negative predictive value of 80%. In summary, the available evidence is currently insufficient to determine the role of this variant in disease. Therefore, it has been classified as a Variant of Uncertain Significance.

Color Diagnostics, LLC DBA Color Health
Classification: Uncertain significance for Hereditary cancer-predisposing syndrome. Last evaluated: 2023-08-08. Review status: criteria provided, single submitter. Criteria: ACMG Guidelines, 2015. Collection method: clinical testing. Allele origin: germline.
Comment: This missense variant replaces aspartic acid with valine at codon 1052 of the PALB2 protein. Computational prediction suggests that this variant may not impact protein structure and function (internally defined REVEL score threshold <= 0.5, PMID: 27666373). To our knowledge, functional studies have not been reported for this variant. This variant has not been reported in individuals affected with PALB2-related disorders in the literature. This variant has been identified in 1/251244 chromosomes in the general population by the Genome Aggregation Database (gnomAD). The available evidence is insufficient to determine the role of this variant in disease conclusively. Therefore, this variant is classified as a Variant of Uncertain Significance.

NM_024675.4(PALB2):c.3155A>T (p.Asp1052Val)

Gene: PALB2 (partner and localizer of BRCA2; minus strand). Cytogenetic location: 16p12.2.
Variant type: single nucleotide variant.
Coding change: c.3155A>T on transcript NM_024675.4 (MANE Select); coding-DNA position 3155, A replaced by T.
Protein change: p.Asp1052Val; replaces aspartic acid 1052 with valine.
Molecular consequence: missense variant.
Genome position (GRCh38, 1-based): chr16:23,614,050, T>A on the plus strand (A>T on the coding strand, the complement: PALB2 is on the minus strand). VCF-style: chr16-23614050-T-A. GRCh37 (hg19) VCF-style: chr16-23625371-T-A.
Other names: short protein forms D1052V.
Identifiers: ClinVar variation 492211 (VCV000492211.22), dbSNP rs775290401, ClinGen allele CA7963413.
Genomic context (GRCh38, chr16:23,614,050, plus strand): 5'-CAGTCATTACTTACCATTTCAGAATAGGCTTTGTGACAGACTGAAGCTTGGTAAGAATCA[T>A]CAATGTGCATCTTTTTCAGGAGTTGACCAGTTTTTAAATTCCTTAGATAACAAAAATAAA-3'
Protein context (NP_078951.2, residues 1042-1062): TGQLLKKMHI[Asp1052Val]DSYQASVCHK